The following is an entry in ClinVar:

ClinVar aggregate classification (germline): Uncertain significance (1 of 4 stars; one submission).

Submission:

GeneDx
Classification: Uncertain significance. Last evaluated: 2024-11-14. Review status: criteria provided, single submitter. Criteria: GeneDx Variant Classification Process June 2021. Collection method: clinical testing. Allele origin: germline. Affected: yes.
Comment: Not observed at significant frequency in large population cohorts (gnomAD); In silico analysis supports that this missense variant has a deleterious effect on protein structure/function; Has not been previously published as pathogenic or benign to our knowledge

NM_001130438.3(SPTAN1):c.4928A>G (p.Asp1643Gly)

Gene: SPTAN1 (spectrin alpha, non-erythrocytic 1; plus strand). Cytogenetic location: 9q34.11.
Variant type: single nucleotide variant.
Coding change: c.4928A>G on transcript NM_001130438.3 (MANE Select); coding-DNA position 4928, A replaced by G.
Protein change: p.Asp1643Gly; replaces aspartic acid 1643 with glycine.
Molecular consequence: missense variant.
Genome position (GRCh38, 1-based): chr9:128,612,131, A>G. VCF-style: chr9-128612131-A-G. GRCh37 (hg19) VCF-style: chr9-131374410-A-G.
Other names: c.4853A>G, p.Asp1618Gly (NM_001195532.2); c.4928A>G, p.Asp1643Gly (NM_001363759.2, NM_001375310.1, NM_001375311.2 and 1 more transcripts); c.4868A>G, p.Asp1623Gly (NM_001363765.2, NM_001375314.2); c.4964A>G, p.Asp1655Gly (NM_001375312.2, NM_001375318.1); c.4913A>G, p.Asp1638Gly (NM_003127.4); short protein forms D1618G, D1623G, D1638G, D1643G, D1655G.
Identifiers: ClinVar variation 3899663 (VCV003899663.1).